The following is an entry in ClinVar:

ClinVar aggregate classification (germline): Pathogenic (1 of 4 stars; one submission).

Conditions:
Neurofibromatosis, type 1 (NF1). Also called: VON RECKLINGHAUSEN DISEASE; Peripheral type neurofibromatosis; Neurofibromatosis, type I; NEUROFIBROMATOSIS, TYPE I, SOMATIC. Identifiers: Orphanet 636, MedGen C0027831, MONDO:0018975, OMIM 162200. Disease mechanism: loss of function.

Submission:

Labcorp Genetics (formerly Invitae), Labcorp
Classification: Pathogenic for Neurofibromatosis, type 1. Last evaluated: 2022-11-24. Review status: criteria provided, single submitter. Criteria: Invitae Variant Classification Sherloc (09022015). Collection method: clinical testing. Allele origin: germline.
Comment: For these reasons, this variant has been classified as Pathogenic. This variant has not been reported in the literature in individuals affected with NF1-related conditions. This variant is not present in population databases (gnomAD no frequency). This sequence change creates a premature translational stop signal (p.Ala2091Thrfs*11) in the NF1 gene. It is expected to result in an absent or disrupted protein product. Loss-of-function variants in NF1 are known to be pathogenic (PMID: 10712197, 23913538).

Literature cited by the submitters: PubMed 10712197; PubMed 23913538.

NM_001042492.3(NF1):c.6333_6334insACAACCTGTG (p.Ala2112fs)

Gene: NF1 (neurofibromin 1; plus strand). Cytogenetic location: 17q11.2.
Variant type: Insertion.
Coding change: c.6333_6334insACAACCTGTG on transcript NM_001042492.3 (MANE Select); coding-DNA positions 6333 to 6334, ACAACCTGTG inserted.
Protein change: p.Ala2112fs; shifts the reading frame from alanine 2112.
Molecular consequence: frameshift variant.
Genome position: GRCh38 VCF-style: chr17-31336820-A-AACAACCTGTG. GRCh37 (hg19) VCF-style: chr17-29663838-A-AACAACCTGTG.
Other names: c.6270_6271insACAACCTGTG, p.Ala2091Thrfs (NM_000267.4); short protein forms A2112fs, A2091fs.
Identifiers: ClinVar variation 2816485 (VCV002816485.3), dbSNP rs2508749523, ClinGen allele CA2739267420.